The following is an entry in ClinVar:

NM_000535.7(PMS2):c.1394A>C (p.Lys465Thr)

Gene: PMS2 (PMS1 homolog 2, mismatch repair system component; minus strand). Cytogenetic location: 7p22.1.
Variant type: single nucleotide variant.
Coding change: c.1394A>C on transcript NM_000535.7 (MANE Select); coding-DNA position 1394, A replaced by C.
Protein change: p.Lys465Thr; replaces lysine 465 with threonine.
Molecular consequence: missense variant. On other transcripts: non-coding transcript variant (1).
Genome position (GRCh38, 1-based): chr7:5,987,371, T>G on the plus strand (A>C on the coding strand, the complement: PMS2 is on the minus strand). VCF-style: chr7-5987371-T-G. GRCh37 (hg19) VCF-style: chr7-6027002-T-G.
Other names: c.989A>C, p.Lys330Thr (NM_001322003.2, NM_001322004.2, NM_001322005.2 and 1 more transcripts); c.1238A>C, p.Lys413Thr (NM_001322006.2); c.1076A>C, p.Lys359Thr (NM_001322007.2, NM_001322008.2); c.833A>C, p.Lys278Thr (NM_001322010.2); c.461A>C, p.Lys154Thr (NM_001322011.2, NM_001322012.2); c.821A>C, p.Lys274Thr (NM_001322013.2); c.1394A>C, p.Lys465Thr (NM_001322014.2); c.1085A>C, p.Lys362Thr (NM_001322015.2); short protein forms K154T, K274T, K278T, K362T, K359T, K413T, K465T, K330T.
Identifiers: ClinVar variation 1417099 (VCV001417099.9), dbSNP rs141084758, ClinGen allele CA366742140.

ClinVar aggregate classification (germline): Conflicting classifications of pathogenicity. Review status: criteria provided, conflicting classifications (1 of 4 stars). 2 submissions from 2 submitters: Uncertain significance (1); Likely benign (1). Last evaluated 2026-08-13.

Conditions:
Hereditary nonpolyposis colorectal neoplasms. Identifiers: MedGen C0009405, MeSH D003123.
Hereditary cancer-predisposing syndrome. Also called: Hereditary Cancer Syndrome; Neoplastic Syndromes, Hereditary; Hereditary neoplastic syndrome; Tumor predisposition. Identifiers: Orphanet 140162, MedGen C0027672, MeSH D009386, MONDO:0015356.

Submissions (2):

Ambry Genetics
Classification: Likely benign for Hereditary cancer-predisposing syndrome. Last evaluated: 2026-08-13. Review status: criteria provided, single submitter. Criteria: Ambry Variant Classification Scheme 2023. Collection method: clinical testing. Allele origin: germline.

Labcorp Genetics (formerly Invitae), Labcorp
Classification: Uncertain significance for Hereditary nonpolyposis colorectal neoplasms. Last evaluated: 2024-01-13. Review status: criteria provided, single submitter. Criteria: Invitae Variant Classification Sherloc (09022015). Collection method: clinical testing. Allele origin: germline.
Comment: This sequence change replaces lysine, which is basic and polar, with threonine, which is neutral and polar, at codon 465 of the PMS2 protein (p.Lys465Thr). This variant is not present in population databases (gnomAD no frequency). This variant has not been reported in the literature in individuals affected with PMS2-related conditions. ClinVar contains an entry for this variant (Variation ID: 1417099). Advanced modeling of protein sequence and biophysical properties (such as structural, functional, and spatial information, amino acid conservation, physicochemical variation, residue mobility, and thermodynamic stability) performed at Invitae indicates that this missense variant is not expected to disrupt PMS2 protein function with a negative predictive value of 80%. In summary, the available evidence is currently insufficient to determine the role of this variant in disease. Therefore, it has been classified as a Variant of Uncertain Significance.